The following is an entry in ClinVar:

ClinVar aggregate classification (germline): Conflicting classifications of pathogenicity. Review status: criteria provided, conflicting classifications (1 of 4 stars). 2 submissions from 2 submitters: Uncertain significance (1); Likely benign (1). Last evaluated 2025-07-09.

Conditions:
Familial hypercholesterolemia. Also called: Familial hypercholesterolemias; Familial hypercholesterolaemia. Identifiers: MedGen C0020445, MONDO:0005439.
Hypercholesterolemia, autosomal dominant, 3 (FHCL3). Also called: Familial hypercholesterolemia 3; Familial Hypercholesterolemia, Autosomal Dominant, 3; PCSK9-Related Familial Hypercholesterolemia, Autosomal Dominant. Identifiers: MedGen C1863551, MONDO:0011369, OMIM 603776.

Submissions (2):

Color Diagnostics, LLC DBA Color Health
Classification: Uncertain significance for Familial hypercholesterolemia. Last evaluated: 2025-07-09. Review status: criteria provided, single submitter. Criteria: ACMG Guidelines, 2015. Collection method: clinical testing. Allele origin: germline.
Comment: This variant causes an in-frame duplication of one amino acid at exon 1 of the PCSK9 protein. To our knowledge, functional studies have not been reported for this variant. This variant has not been reported in individuals affected with PCSK9-related disorders in the literature. This variant has not been identified in the general population by the Genome Aggregation Database (gnomAD). The available evidence is insufficient to determine the role of this variant in disease conclusively. Therefore, this variant is classified as a Variant of Uncertain Significance.

Labcorp Genetics (formerly Invitae), Labcorp
Classification: Likely benign for Hypercholesterolemia, autosomal dominant, 3. Last evaluated: 2022-09-22. Review status: criteria provided, single submitter. Criteria: Invitae Variant Classification Sherloc (09022015). Collection method: clinical testing. Allele origin: germline.

NM_174936.4(PCSK9):c.65_66insGCTCCT (p.Leu23_Gly24insLeuLeu)

Gene: PCSK9 (proprotein convertase subtilisin/kexin type 9; plus strand). Cytogenetic location: 1p32.3.
Variant type: Insertion.
Coding change: c.65_66insGCTCCT on transcript NM_174936.4 (MANE Select); coding-DNA positions 65 to 66, GCTCCT inserted.
Protein change: p.Leu23_Gly24insLeuLeu.
Molecular consequence: inframe insertion. On other transcripts: inframe indel (7).
Genome position: GRCh38 VCF-style: chr1-55039900-G-GCTGCTC. GRCh37 (hg19) VCF-style: chr1-55505573-G-GCTGCTC.
Other names: c.65_66insGCTCCT, p.Leu23_Gly24insLeuLeu (NM_001407240.1, NM_001407241.1, NM_001407242.1 and 4 more transcripts); c.-670_-669insGCTCCT (NM_001407246.1).
Identifiers: ClinVar variation 2031915 (VCV002031915.5), dbSNP rs1208879197, ClinGen allele CA737023242.